The following is an entry in ClinVar:

NM_001134665.3(TRMT10A):c.166G>A (p.Glu56Lys)

Gene: TRMT10A (tRNA methyltransferase 10A; minus strand). Cytogenetic location: 4q23.
Variant type: single nucleotide variant.
Coding change: c.166G>A on transcript NM_001134665.3 (MANE Select); coding-DNA position 166, G replaced by A.
Protein change: p.Glu56Lys; replaces glutamic acid 56 with lysine.
Molecular consequence: missense variant.
Genome position (GRCh38, 1-based): chr4:99,559,173, C>T on the plus strand (G>A on the coding strand, the complement: TRMT10A is on the minus strand). VCF-style: chr4-99559173-C-T. GRCh37 (hg19) VCF-style: chr4-100480330-C-T.
Other names: c.166G>A, p.Glu56Lys (NM_001134666.3, NM_001375880.1, NM_001375881.1 and 2 more transcripts); short protein forms E56K.
Identifiers: ClinVar variation 2040217 (VCV002040217.4), dbSNP rs2476031426, ClinGen allele CA357513206.

ClinVar aggregate classification (germline): Uncertain significance (1 of 4 stars; one submission).

Submission:

Labcorp Genetics (formerly Invitae), Labcorp
Classification: Uncertain significance. Last evaluated: 2023-05-08. Review status: criteria provided, single submitter. Criteria: Invitae Variant Classification Sherloc (09022015). Collection method: clinical testing. Allele origin: germline.
Comment: In summary, the available evidence is currently insufficient to determine the role of this variant in disease. Therefore, it has been classified as a Variant of Uncertain Significance. Advanced modeling of protein sequence and biophysical properties (such as structural, functional, and spatial information, amino acid conservation, physicochemical variation, residue mobility, and thermodynamic stability) performed at Invitae indicates that this missense variant is not expected to disrupt TRMT10A protein function. ClinVar contains an entry for this variant (Variation ID: 2040217). This variant has not been reported in the literature in individuals affected with TRMT10A-related conditions. This variant is not present in population databases (gnomAD no frequency). This sequence change replaces glutamic acid, which is acidic and polar, with lysine, which is basic and polar, at codon 56 of the TRMT10A protein (p.Glu56Lys).